The following is an entry in ClinVar:

NM_001378454.1(ALMS1):c.782C>G (p.Ser261Cys)

Gene: ALMS1 (ALMS1 centrosome and basal body associated protein; plus strand). Cytogenetic location: 2p13.1.
Variant type: single nucleotide variant.
Coding change: c.782C>G on transcript NM_001378454.1 (MANE Select); coding-DNA position 782, C replaced by G.
Protein change: p.Ser261Cys; replaces serine 261 with cysteine.
Molecular consequence: missense variant.
Genome position (GRCh38, 1-based): chr2:73,424,447, C>G. VCF-style: chr2-73424447-C-G. GRCh37 (hg19) VCF-style: chr2-73651575-C-G.
Other names: c.785C>G, p.Ser262Cys (NM_015120.4); short protein forms S262C, S261C.
Identifiers: ClinVar variation 1422053 (VCV001422053.5), dbSNP rs1671339296, ClinGen allele CA347260397.
Genomic context (GRCh38, chr2:73,424,447, plus strand): 5'-TTTAATGTTATTTATTTATTTATTTTTAACTATATATTTTCAGGGGAATTCCTGATAAGT[C>G]TGAAGATACTGAATGGTCTTCTCGACCATCGGAAGTTAGTGAAGCTTTATTCCAGGCTAC-3'
Protein context (NP_001365383.1, residues 251-271): FAPLRGIPDK[Ser261Cys]EDTEWSSRPS

ClinVar aggregate classification (germline): Uncertain significance. Review status: criteria provided, multiple submitters, no conflicts (2 of 4 stars). 2 submissions from 2 submitters: Uncertain significance (2). Last evaluated 2024-04-23.

Conditions:
Alstrom syndrome (ALMS). Identifiers: Orphanet 64, MedGen C0268425, MONDO:0008763, OMIM 203800.

Allele frequency attached by ClinVar (database versions not stated): gnomAD exomes below 0.00001; TOPMed below 0.00001.
gnomAD v4.1: 3 of 1,587,968 alleles (0.00019%); highest among the groups gnomAD compares: African/African-American, 0.0014%; no homozygotes.

Submissions (2):

Labcorp Genetics (formerly Invitae), Labcorp
Classification: Uncertain significance for Alstrom syndrome. Last evaluated: 2024-04-23. Review status: criteria provided, single submitter. Criteria: Invitae Variant Classification Sherloc (09022015). Collection method: clinical testing. Allele origin: germline.
Comment: This sequence change replaces serine, which is neutral and polar, with cysteine, which is neutral and slightly polar, at codon 262 of the ALMS1 protein (p.Ser262Cys). This variant is not present in population databases (gnomAD no frequency). This variant has not been reported in the literature in individuals affected with ALMS1-related conditions. ClinVar contains an entry for this variant (Variation ID: 1422053). Experimental studies and prediction algorithms are not available or were not evaluated, and the functional significance of this variant is currently unknown. In summary, the available evidence is currently insufficient to determine the role of this variant in disease. Therefore, it has been classified as a Variant of Uncertain Significance.

GeneDx
Classification: Uncertain significance. Last evaluated: 2023-08-28. Review status: criteria provided, single submitter. Criteria: GeneDx Variant Classification Process June 2021. Collection method: clinical testing. Allele origin: germline. Affected: yes.
Comment: Has not been previously published as pathogenic or benign to our knowledge; Not observed at significant frequency in large population cohorts (gnomAD); In silico analysis supports that this missense variant has a deleterious effect on protein structure/function